The following is an entry in ClinVar:

ClinVar aggregate classification (germline): Benign/Likely benign. Review status: criteria provided, multiple submitters, no conflicts (2 of 4 stars). 3 submissions from 3 submitters: Benign (1); Likely benign (2). Last evaluated 2025-09-23.

Conditions:
Renal cell carcinoma. Identifiers: Orphanet 217071, MedGen C0007134, MeSH D002292, MONDO:0005086, HP:0005584.
Hereditary cancer-predisposing syndrome. Also called: Hereditary Cancer Syndrome; Neoplastic Syndromes, Hereditary; Tumor predisposition; Hereditary neoplastic syndrome. Identifiers: Orphanet 140162, MedGen C0027672, MeSH D009386, MONDO:0015356.
Papillary renal cell carcinoma type 1 (RCCP1). Also called: RENAL CELL CARCINOMA, PAPILLARY, 1, SOMATIC; Renal adenocarcinoma; Renal cell carcinoma 1; Renal cell carcinoma, somatic. Identifiers: Orphanet 47044, MedGen C1336839, OMIM 605074, HP:0011797.

Allele frequency attached by ClinVar (database versions not stated): gnomAD exomes below 0.00001 and 0.00002; ExAC 0.00001; TOPMed 0.00001; gnomAD 0.00002.
gnomAD v4.1: 28 of 1,613,924 alleles (0.0017%); highest among the groups gnomAD compares: Non-Finnish European, 0.0023%; no homozygotes.

Submissions (3):

Labcorp Genetics (formerly Invitae), Labcorp
Classification: Likely benign for Renal cell carcinoma. Last evaluated: 2025-09-23. Review status: criteria provided, single submitter. Criteria: Invitae Variant Classification Sherloc (09022015). Collection method: clinical testing. Allele origin: germline.

Myriad Genetics, Inc.
Classification: Benign for Papillary renal cell carcinoma type 1. Last evaluated: 2024-11-07. Review status: criteria provided, single submitter. Criteria: Myriad Autosomal Dominant, Autosomal Recessive and X-Linked Classification Criteria (2023). Collection method: clinical testing. Allele origin: unknown.
Comment: This variant is considered benign. This variant is a silent/synonymous amino acid change and it is not expected to impact splicing.

Ambry Genetics
Classification: Likely benign for Hereditary cancer-predisposing syndrome. Last evaluated: 2016-02-25. Review status: criteria provided, single submitter. Criteria: Ambry Variant Classification Scheme 2023. Collection method: clinical testing. Allele origin: germline.

NM_000245.4(MET):c.1398G>A (p.Val466=)

Gene: MET (MET proto-oncogene, receptor tyrosine kinase; plus strand). Cytogenetic location: 7q31.2.
Variant type: single nucleotide variant.
Coding change: c.1398G>A on transcript NM_000245.4 (MANE Select); coding-DNA position 1398, G replaced by A.
Protein change: p.Val466=; no amino-acid change (valine 466 retained).
Molecular consequence: synonymous variant.
Genome position (GRCh38, 1-based): chr7:116,739,955, G>A. VCF-style: chr7-116739955-G-A. GRCh37 (hg19) VCF-style: chr7-116380009-G-A.
Other names: c.1398G>A, p.Val466= (NM_001127500.3, NM_001324401.3); c.108G>A, p.Val36= (NM_001324402.2).
Identifiers: ClinVar variation 480820 (VCV000480820.14), dbSNP rs779091695, ClinGen allele CA4448159.